The following is an entry in ClinVar:

NM_001854.4(COL11A1):c.4774C>T (p.His1592Tyr)

Gene: COL11A1 (collagen type XI alpha 1 chain; minus strand). Cytogenetic location: 1p21.1.
Variant type: single nucleotide variant.
Coding change: c.4774C>T on transcript NM_001854.4 (MANE Select); coding-DNA position 4774, C replaced by T.
Protein change: p.His1592Tyr; replaces histidine 1592 with tyrosine.
Molecular consequence: missense variant. On other transcripts: non-coding transcript variant (1).
Genome position (GRCh38, 1-based): chr1:102,886,891, G>A on the plus strand (C>T on the coding strand, the complement: COL11A1 is on the minus strand). VCF-style: chr1-102886891-G-A. GRCh37 (hg19) VCF-style: chr1-103352447-G-A.
Other names: c.4657C>T, p.His1553Tyr (NM_001190709.2); c.4810C>T, p.His1604Tyr (NM_080629.3); c.4426C>T, p.His1476Tyr (NM_080630.4); short protein forms H1476Y, H1604Y, H1553Y, H1592Y.
Identifiers: ClinVar variation 3666315 (VCV003666315.2).
Genomic context (GRCh38, chr1:102,886,891, plus strand): 5'-GTTGCAGGTCTTTACAAGTTCGGGCTGGATTGGTCTGAGTACCCATTGGAAATTTCATAT[G>A]CTCAATGTCTTGTTTCAGGGAATTGAGGGAACCAAATATTTCTTCCATTCCATCCGAGTA-3'
Protein context (NP_001845.3, residues 1582-1602): SLNSLKQDIE[His1592Tyr]MKFPMGTQTN

ClinVar aggregate classification (germline): Uncertain significance (1 of 4 stars; one submission).

gnomAD v4.1: 1 of 1,613,768 alleles (0.000062%); highest among the groups gnomAD compares: Non-Finnish European, 0.000085%; no homozygotes.

Submission:

Labcorp Genetics (formerly Invitae), Labcorp
Classification: Uncertain significance. Last evaluated: 2024-12-18. Review status: criteria provided, single submitter. Criteria: Invitae Variant Classification Sherloc (09022015). Collection method: clinical testing. Allele origin: germline.
Comment: This sequence change replaces histidine, which is basic and polar, with tyrosine, which is neutral and polar, at codon 1592 of the COL11A1 protein (p.His1592Tyr). This variant is not present in population databases (gnomAD no frequency). This variant has not been reported in the literature in individuals affected with COL11A1-related conditions. Invitae Evidence Modeling of protein sequence and biophysical properties (such as structural, functional, and spatial information, amino acid conservation, physicochemical variation, residue mobility, and thermodynamic stability) indicates that this missense variant is not expected to disrupt COL11A1 protein function with a negative predictive value of 80%. In summary, the available evidence is currently insufficient to determine the role of this variant in disease. Therefore, it has been classified as a Variant of Uncertain Significance.